The following is an entry in ClinVar:

NM_203290.4(POLR1C):c.98A>G (p.Tyr33Cys)

Gene: POLR1C (RNA polymerase I and III subunit C; plus strand). Cytogenetic location: 6p21.1.
Variant type: single nucleotide variant.
Coding change: c.98A>G on transcript NM_203290.4 (MANE Select); coding-DNA position 98, A replaced by G.
Protein change: p.Tyr33Cys; replaces tyrosine 33 with cysteine.
Molecular consequence: missense variant.
Genome position (GRCh38, 1-based): chr6:43,517,334, A>G. VCF-style: chr6-43517334-A-G. GRCh37 (hg19) VCF-style: chr6-43485072-A-G.
Other names: c.98A>G, p.Tyr33Cys (NM_001318876.2, NM_001363658.2); short protein forms Y33C.
Identifiers: ClinVar variation 1315278 (VCV001315278.6), dbSNP rs562499631, ClinGen allele CA3825316.

ClinVar aggregate classification (germline): Uncertain significance. Review status: criteria provided, multiple submitters, no conflicts (2 of 4 stars). 3 submissions from 3 submitters: Uncertain significance (3). Last evaluated 2022-09-05.

Conditions:
Leukodystrophy, hypomyelinating, 11. Identifiers: Orphanet 88637, MedGen C4225305, MONDO:0014666, OMIM 616494.

Allele frequency attached by ClinVar (database versions not stated): gnomAD exomes below 0.00001 and 0.00001; ExAC 0.00002; TOPMed 0.00002; 1000 Genomes Project 30x 0.00016; 1000 Genomes Project 0.00020.
gnomAD v4.1: 4 of 1,614,006 alleles (0.00025%); highest among the groups gnomAD compares: African/African-American, 0.0053%; no homozygotes.

Submissions (3):

Labcorp Genetics (formerly Invitae), Labcorp
Classification: Uncertain significance. Last evaluated: 2022-09-05. Review status: criteria provided, single submitter. Criteria: Invitae Variant Classification Sherloc (09022015). Collection method: clinical testing. Allele origin: germline.
Comment: In summary, the available evidence is currently insufficient to determine the role of this variant in disease. Therefore, it has been classified as a Variant of Uncertain Significance. Algorithms developed to predict the effect of missense changes on protein structure and function are either unavailable or do not agree on the potential impact of this missense change (SIFT: "Not Available"; PolyPhen-2: "Probably Damaging"; Align-GVGD: "Not Available"). ClinVar contains an entry for this variant (Variation ID: 1315278). This variant has not been reported in the literature in individuals affected with POLR1C-related conditions. This variant is present in population databases (rs562499631, gnomAD 0.01%). This sequence change replaces tyrosine, which is neutral and polar, with cysteine, which is neutral and slightly polar, at codon 33 of the POLR1C protein (p.Tyr33Cys).

GeneDx
Classification: Uncertain significance. Last evaluated: 2020-03-18. Review status: criteria provided, single submitter. Criteria: GeneDx Variant Classification Process June 2021. Collection method: clinical testing. Allele origin: germline. Affected: yes.
Comment: In silico analysis supports that this missense variant has a deleterious effect on protein structure/function; Has not been previously published as pathogenic or benign to our knowledge

Neuberg Centre For Genomic Medicine, NCGM
Classification: Uncertain significance for Leukodystrophy, hypomyelinating, 11. Review status: criteria provided, single submitter. Criteria: ACMG Guidelines, 2015. Collection method: clinical testing. Allele origin: germline. Inheritance: Autosomal recessive inheritance. Affected: yes.
Comment: The missense variant in c.98A>G (p.Tyr33Cys) in POLR1C gene has not been reported previously as a pathogenic variant nor as a benign variant, to our knowledge. This variant has been reported to the ClinVar database as Uncertain significance. The variant has been reported with the allele frequency of 0.0007952% in gnomAD Exome and is novel (not in any individual) in 1000 genome. The amino acid Tyr at position 33 is changed to a Cys changing protein sequence and it might alter its composition and physico-chemical properties. The amino acid change p.Tyr33Cys in POLR1C is predicted as conserved by GERP++ and PhyloP across 100 vertebrates. For these reasons, this variant has been classified as uncertain significance.